The following is an entry in ClinVar:

ClinVar aggregate classification (germline): Uncertain significance (1 of 4 stars; one submission).

Submission:

Ambry Genetics
Classification: Uncertain significance. Last evaluated: 2023-01-16. Review status: criteria provided, single submitter. Criteria: Ambry Variant Classification Scheme 2023. Collection method: clinical testing. Allele origin: germline.
Comment: The p.H262L variant (also known as c.785A>T), located in coding exon 1 of the PALLD gene, results from an A to T substitution at nucleotide position 785. The histidine at codon 262 is replaced by leucine, an amino acid with similar properties. This amino acid position is conserved. In addition, this alteration is predicted to be tolerated by in silico analysis. Since supporting evidence is limited at this time, the clinical significance of this alteration remains unclear.

NM_001166108.2(PALLD):c.785A>T (p.His262Leu)

Gene: PALLD (palladin, cytoskeletal associated protein; plus strand). Cytogenetic location: 4q32.3.
Variant type: single nucleotide variant.
Coding change: c.785A>T on transcript NM_001166108.2 (MANE Select); coding-DNA position 785, A replaced by T.
Protein change: p.His262Leu; replaces histidine 262 with leucine.
Molecular consequence: missense variant.
Genome position (GRCh38, 1-based): chr4:168,512,289, A>T. VCF-style: chr4-168512289-A-T. GRCh37 (hg19) VCF-style: chr4-169433440-A-T.
Other names: c.785A>T, p.His262Leu (NM_016081.4); short protein forms H262L.
Identifiers: ClinVar variation 2448479 (VCV002448479.2), dbSNP rs2531436843, ClinGen allele CA358728356.
Genomic context (GRCh38, chr4:168,512,289, plus strand): 5'-GCTACCAGGACAACCAGGACTTGGCAGTGCCACACAACCGCAAGTCTCACCCACAGCCCC[A>T]CAGCGCCCTCCACTTCCCAGCTGCACCTCGATTCATCCAAAAGCTGAGGAGCCAAGAAGT-3'
Protein context (NP_001159580.1, residues 252-272): PHNRKSHPQP[His262Leu]SALHFPAAPR